The following is an entry in ClinVar:

NM_003470.3(USP7):c.1244C>T (p.Thr415Met)

Gene: USP7 (ubiquitin specific peptidase 7; minus strand). Cytogenetic location: 16p13.2.
Variant type: single nucleotide variant.
Coding change: c.1244C>T on transcript NM_003470.3 (MANE Select); coding-DNA position 1244, C replaced by T.
Protein change: p.Thr415Met; replaces threonine 415 with methionine.
Molecular consequence: missense variant. On other transcripts: non-coding transcript variant (1).
Genome position (GRCh38, 1-based): chr16:8,908,368, G>A on the plus strand (C>T on the coding strand, the complement: USP7 is on the minus strand). VCF-style: chr16-8908368-G-A. GRCh37 (hg19) VCF-style: chr16-9002225-G-A.
Other names: c.1196C>T, p.Thr399Met (NM_001286457.2); c.947C>T, p.Thr316Met (NM_001286458.2); c.1070C>T, p.Thr357Met (NM_001321858.2); c.1196C>T (NM_001286457.1); short protein forms T316M, T399M, T415M, T357M.
Identifiers: ClinVar variation 2473736 (VCV002473736.4), dbSNP rs2549232774, ClinGen allele CA394702308.
Genomic context (GRCh38, chr16:8,908,368, plus strand): 5'-GAAATCTTAACTTTATATCCCACTATAGATTACCTATCATTGATCTTGATATTTTGGTCC[G>A]TCTGAGGGTCATACATAAATCTCATCAGTTGTAGATGTAACACTGGTGGCAATGTTAGGA-3'
Protein context (NP_003461.2, residues 405-425): QLMRFMYDPQ[Thr415Met]DQNIKINDRF

ClinVar aggregate classification (germline): Uncertain significance. Review status: criteria provided, multiple submitters, no conflicts (2 of 4 stars). 2 submissions from 2 submitters: Uncertain significance (2). Last evaluated 2025-12-09.

Conditions:
Inborn genetic diseases. Identifiers: MedGen C0950123, MeSH D030342.

Allele frequency attached by ClinVar (database versions not stated): gnomAD exomes below 0.00001.
gnomAD v4.1: 1 of 1,613,900 alleles (0.000062%); highest among the groups gnomAD compares: Non-Finnish European, 0.000085%; no homozygotes.

Submissions (2):

GeneDx
Classification: Uncertain significance. Last evaluated: 2025-12-09. Review status: criteria provided, single submitter. Criteria: GeneDx Variant Classification Process June 2021. Collection method: clinical testing. Allele origin: germline.
Comment: In silico analysis supports that this missense variant has a deleterious effect on protein structure/function; Has not been previously published as pathogenic or benign to our knowledge

Ambry Genetics
Classification: Uncertain significance for Inborn genetic diseases. Last evaluated: 2023-01-09. Review status: criteria provided, single submitter. Criteria: Ambry Variant Classification Scheme 2023. Collection method: clinical testing. Allele origin: germline.